The following is an entry in ClinVar:

ClinVar aggregate classification (germline): Uncertain significance (1 of 4 stars; one submission).

gnomAD v4.1: 1 of 1,464,468 alleles (0.000068%); highest among the groups gnomAD compares: Non-Finnish European, 0.000091%; no homozygotes.

Submission:

Labcorp Genetics (formerly Invitae), Labcorp
Classification: Uncertain significance. Last evaluated: 2023-10-28. Review status: criteria provided, single submitter. Criteria: Invitae Variant Classification Sherloc (09022015). Collection method: clinical testing. Allele origin: germline.
Comment: This sequence change affects a donor splice site in intron 14 of the RASA2 gene. It is expected to disrupt RNA splicing. Variants that disrupt the donor or acceptor splice site typically lead to a loss of protein function (PMID: 16199547), however the current clinical and genetic evidence is not sufficient to establish whether loss-of-function variants in RASA2 cause disease. This variant is not present in population databases (gnomAD no frequency). This variant has not been reported in the literature in individuals affected with RASA2-related conditions. Algorithms developed to predict the effect of sequence changes on RNA splicing suggest that this variant may disrupt the consensus splice site. In summary, the available evidence is currently insufficient to determine the role of this variant in disease. Therefore, it has been classified as a Variant of Uncertain Significance.

Literature cited by the submitters: PubMed 16199547.

NM_006506.5(RASA2):c.1483+1G>A

Gene: RASA2 (RAS p21 protein activator 2; plus strand). Cytogenetic location: 3q23.
Variant type: single nucleotide variant.
Coding change: c.1483+1G>A on transcript NM_006506.5 (MANE Select); the canonical splice donor site of the intron after coding-DNA position 1483, G replaced by A.
Molecular consequence: splice donor variant.
Genome position (GRCh38, 1-based): chr3:141,574,068, G>A. VCF-style: chr3-141574068-G-A. GRCh37 (hg19) VCF-style: chr3-141292910-G-A.
Other names: c.1483+1G>A (NM_001303245.3, NM_001303246.3).
Identifiers: ClinVar variation 2858447 (VCV002858447.3), dbSNP rs2478727634, ClinGen allele CA354778813.
Genomic context (GRCh38, chr3:141,574,068, plus strand): 5'-CCACTGTAATGTGTGATATCTTTTATTCTCTAAGGCAGATGGCTACTCAGAGATTTCCTA[G>A]TAAGTGCCTTGTTTTACTAAAACATGCCATTTATTTTTCTTTGACTTTTTTATAGATATT-3'